The following is an entry in ClinVar:

ClinVar aggregate classification (germline): Uncertain significance (1 of 4 stars; one submission).

Conditions:
Inborn genetic diseases. Identifiers: MedGen C0950123, MeSH D030342.

Submission:

Ambry Genetics
Classification: Uncertain significance for Inborn genetic diseases. Last evaluated: 2021-04-20. Review status: criteria provided, single submitter. Criteria: Ambry Variant Classification Scheme 2023. Collection method: clinical testing. Allele origin: germline.
Comment: The c.247_248insGCCCCCCCCCCCCCC (p.A83delinsGPPPPP) alteration is located in exon 1 (coding exon 1) of the BPTF gene. The alteration consists of an in-frame insertion of 15 nucleotides between nucleotide positions c.247 and c.248, resulting in the insertion of <NA> residues. Based on insufficient or conflicting evidence, the clinical significance of this alteration remains unclear.

NM_182641.4(BPTF):c.247_248insGCCCCCCCCCCCCCC (p.Ala83delinsGlyProProProProPro)

Gene: BPTF (bromodomain PHD finger transcription factor; plus strand). Cytogenetic location: 17q24.2.
Variant type: Insertion.
Coding change: c.247_248insGCCCCCCCCCCCCCC on transcript NM_182641.4 (MANE Select); coding-DNA positions 247 to 248, GCCCCCCCCCCCCCC inserted.
Protein change: p.Ala83delinsGlyProProProProPro.
Molecular consequence: inframe indel.
Genome position: GRCh38 VCF-style: chr17-67825971-G-GGCCCCCCCCCCCCCC. GRCh37 (hg19) VCF-style: chr17-65822087-G-GGCCCCCCCCCCCCCC.
Other names: c.247_248insGCCCCCCCCCCCCCC, p.Ala83delinsGlyProProProProPro (NM_004459.7).
Identifiers: ClinVar variation 2229892 (VCV002229892.2), dbSNP rs2509383653, ClinGen allele CA2573050800.
Genomic context (GRCh38, chr17:67,825,971, plus strand): 5'-CGGCTGAGCTCGCCCAGGGGGGGCAGCAGTAGCCGGAGGAAGCCGCCGCCGCCGCCGCCG[G>GGCCCCCCCCCCCCCC]CCCCCCCCAGCACCAGCGCCCCGGGCCGGGGGGGGCGAGGAGGCGGGGGCGGCAGGACGG-3'